The following is an entry in ClinVar:

NM_000548.5(TSC2):c.213G>T (p.Lys71Asn)

Gene: TSC2 (TSC complex subunit 2; plus strand). Cytogenetic location: 16p13.3.
Variant type: single nucleotide variant.
Coding change: c.213G>T on transcript NM_000548.5 (MANE Select); coding-DNA position 213, G replaced by T.
Protein change: p.Lys71Asn; replaces lysine 71 with asparagine.
Molecular consequence: missense variant. On other transcripts: 5 prime UTR variant (1).
Genome position (GRCh38, 1-based): chr16:2,050,474, G>T. VCF-style: chr16-2050474-G-T. GRCh37 (hg19) VCF-style: chr16-2100475-G-T.
Other names: p.K71N:AAG>AAT; c.213G>T, p.Lys71Asn (NM_001370404.1, NM_001370405.1, NM_021055.3 and 4 more transcripts); c.66G>T, p.Lys22Asn (NM_001318829.2); c.-14G>T (NM_001318831.2); c.246G>T, p.Lys82Asn (NM_001318832.2); c.213G>T (NM_000548.4); short protein forms K71N, K22N, K82N.
Identifiers: ClinVar variation 207740 (VCV000207740.25), dbSNP rs766200310, ClinGen allele CA036834.

ClinVar aggregate classification (germline): Conflicting classifications of pathogenicity. Review status: criteria provided, conflicting classifications (1 of 4 stars). 7 submissions from 7 submitters: Uncertain significance (2); Likely benign (4). 1 of the submissions does not count toward it. Last evaluated 2025-11-18.

Conditions:
Tuberous sclerosis syndrome (TSC). Also called: Tuberous Sclerosis Complex; Tuberous sclerosis. Identifiers: Orphanet 805, MedGen C0041341, MONDO:0001734.
Hereditary cancer-predisposing syndrome. Also called: Neoplastic Syndromes, Hereditary; Hereditary Cancer Syndrome; Tumor predisposition; Hereditary neoplastic syndrome. Identifiers: Orphanet 140162, MedGen C0027672, MeSH D009386, MONDO:0015356.
Tuberous sclerosis 2 (TSC2). Identifiers: Orphanet 805, MedGen C1860707, MONDO:0013199, OMIM 613254.

Allele frequency attached by ClinVar (database versions not stated): TOPMed below 0.00001; ExAC 0.00001; gnomAD 0.00001; gnomAD exomes 0.00001 and 0.00002.

Submissions (7):

Labcorp Genetics (formerly Invitae), Labcorp
Classification: Likely benign for Tuberous sclerosis 2. Last evaluated: 2025-11-18. Review status: criteria provided, single submitter. Criteria: Invitae Variant Classification Sherloc (09022015). Collection method: clinical testing. Allele origin: germline.

GeneDx
Classification: Likely benign. Last evaluated: 2025-06-13. Review status: criteria provided, single submitter. Criteria: GeneDx Variant Classification Process June 2021. Collection method: clinical testing. Allele origin: germline. Affected: yes.
Comment: See Variant Classification Assertion Criteria.

Ambry Genetics
Classification: Likely benign for Hereditary cancer-predisposing syndrome. Last evaluated: 2024-08-06. Review status: criteria provided, single submitter. Criteria: Ambry Variant Classification Scheme 2023. Collection method: clinical testing. Allele origin: germline.

Color Diagnostics, LLC DBA Color Health
Classification: Uncertain significance for Tuberous sclerosis syndrome. Last evaluated: 2023-07-26. Review status: criteria provided, single submitter. Criteria: ACMG Guidelines, 2015. Collection method: clinical testing. Allele origin: germline.
Comment: This missense variant replaces lysine with asparagine at codon 71 of the TSC2 protein. Computational prediction suggests that this variant may not impact protein structure and function. To our knowledge, functional studies have not been reported for this variant. This variant has not been reported in individuals affected with TSC2-related disorders in the literature. This variant has been identified in 4/250944 chromosomes in the general population by the Genome Aggregation Database (gnomAD). The available evidence is insufficient to determine the role of this variant in disease conclusively. Therefore, this variant is classified as a Variant of Uncertain Significance.

Genome-Nilou Lab
Classification: Likely benign for Tuberous sclerosis 2. Last evaluated: 2021-11-07. Review status: criteria provided, single submitter. Criteria: ACMG Guidelines, 2015. Collection method: clinical testing. Allele origin: germline. Affected: no.

Institute for Clinical Genetics, University Hospital TU Dresden, University Hospital TU Dresden
Classification: Uncertain significance. Last evaluated: 2021-11-03. Review status: criteria provided, single submitter. Criteria: ACMG Guidelines, 2015. Collection method: clinical testing. Allele origin: germline.

Genetic Services Laboratory, University of Chicago
Classification: Uncertain significance. Last evaluated: 2022-06-28. Review status: no assertion criteria provided. Collection method: clinical testing. Allele origin: germline. Affected: no. Not counted in ClinVar's aggregate classification.
Comment: DNA sequence analysis of the TSC2 gene demonstrated a sequence change, c.213G>T, in exon 3 that results in an amino acid change, p.Lys71Asn. This sequence change does not appear to have been previously described in individuals with TSC2-related disorders. This sequence change has been described in the gnomAD database with a frequency of 0.001594% (dbSNP rs766200310). The p.Lys71Asn change affects a highly conserved amino acid residue located in a domain of the TSC2 protein that is known to be functional. In-silico pathogenicity prediction tools (SIFT, PolyPhen2, Align GVGD, REVEL) provide contradictory results for the p.Lys71Asn substitution. Due to insufficient evidences and the lack of functional studies, the clinical significance of the p.Lys71Asn change remains unknown at this time.